The following is an entry in ClinVar:

NM_004656.4(BAP1):c.184G>A (p.Val62Ile)

Gene: BAP1 (BRCA1 associated deubiquitinase 1; minus strand). Cytogenetic location: 3p21.1.
Variant type: single nucleotide variant.
Coding change: c.184G>A on transcript NM_004656.4 (MANE Select); coding-DNA position 184, G replaced by A.
Protein change: p.Val62Ile; replaces valine 62 with isoleucine.
Molecular consequence: missense variant.
Genome position (GRCh38, 1-based): chr3:52,408,545, C>T on the plus strand (G>A on the coding strand, the complement: BAP1 is on the minus strand). VCF-style: chr3-52408545-C-T. GRCh37 (hg19) VCF-style: chr3-52442561-C-T.
Other names: c.184G>A, p.Val62Ile (NM_001410772.1); short protein forms V62I.
Identifiers: ClinVar variation 3023496 (VCV003023496.4), dbSNP rs759957857, ClinGen allele CA353113424.
Genomic context (GRCh38, chr3:52,408,545, plus strand): 5'-AGAACATGTTATTCACAATATCATCATCAATCACGGACGTATCATCCACCAAGGTAGAGA[C>T]CTTTCGCCGGGACCGGCGCTCTTCGATCCATTTGAACAGGAAGATAAATCCATATACAGG-3'
Protein context (NP_004647.1, residues 52-72): WIEERRSRRK[Val62Ile]STLVDDTSVI

ClinVar aggregate classification (germline): Conflicting classifications of pathogenicity. Review status: criteria provided, conflicting classifications (1 of 4 stars). 2 submissions from 2 submitters: Uncertain significance (1); Benign (1). Last evaluated 2025-07-31.

Conditions:
BAP1-related tumor predisposition syndrome (TPDS1). Also called: Tumor susceptibility linked to germline BAP1 mutations; BAP1 tumor predisposition syndrome; COMMON Syndrome; TUMOR PREDISPOSITION SYNDROME 1. Identifiers: Orphanet 289539, MedGen C3280492, MONDO:0013692, OMIM 614327.
Hereditary cancer-predisposing syndrome. Also called: Tumor predisposition; Hereditary neoplastic syndrome; Hereditary Cancer Syndrome; Neoplastic Syndromes, Hereditary. Identifiers: Orphanet 140162, MedGen C0027672, MeSH D009386, MONDO:0015356.

Submissions (2):

Ambry Genetics
Classification: Benign for Hereditary cancer-predisposing syndrome. Last evaluated: 2025-07-31. Review status: criteria provided, single submitter. Criteria: Ambry Variant Classification Scheme 2023. Collection method: clinical testing. Allele origin: germline.

Labcorp Genetics (formerly Invitae), Labcorp
Classification: Uncertain significance for BAP1-related tumor predisposition syndrome. Last evaluated: 2025-07-08. Review status: criteria provided, single submitter. Criteria: Invitae Variant Classification Sherloc (09022015). Collection method: clinical testing. Allele origin: germline.
Comment: This sequence change replaces valine, which is neutral and non-polar, with isoleucine, which is neutral and non-polar, at codon 62 of the BAP1 protein (p.Val62Ile). This variant is not present in population databases (gnomAD no frequency). This variant has not been reported in the literature in individuals affected with BAP1-related conditions. ClinVar contains an entry for this variant (Variation ID: 3023496). Invitae Evidence Modeling of protein sequence and biophysical properties (such as structural, functional, and spatial information, amino acid conservation, physicochemical variation, residue mobility, and thermodynamic stability) indicates that this missense variant is not expected to disrupt BAP1 protein function with a negative predictive value of 80%. In summary, the available evidence is currently insufficient to determine the role of this variant in disease. Therefore, it has been classified as a Variant of Uncertain Significance.